The following is an entry in ClinVar:

ClinVar aggregate classification (germline): Pathogenic/Likely pathogenic. Review status: criteria provided, multiple submitters, no conflicts (2 of 4 stars). 2 submissions from 2 submitters: Pathogenic (1); Likely pathogenic (1). Last evaluated 2026-01-15.

Conditions:
Polycystic kidney disease, adult type (PKD1). Also called: Polycystic Kidney Disease 1, Autosomal Dominant; Polycystic kidney disease 1; Polycystic kidney disease 1, severe; Polycystic Kidney, Autosomal Dominant; POLYCYSTIC KIDNEY DISEASE 1 WITH OR WITHOUT POLYCYSTIC LIVER DISEASE; POLYCYSTIC KIDNEY DISEASE, ADULT, TYPE I. Identifiers: MedGen C3149841, MONDO:0008263, OMIM 173900.

Submissions (2):

Victorian Clinical Genetics Services, Murdoch Childrens Research Institute
Classification: Pathogenic for Polycystic kidney disease, adult type. Last evaluated: 2026-01-15. Review status: criteria provided, single submitter. Criteria: ACMG Guidelines, 2015. Collection method: clinical testing. Allele origin: germline. Affected: yes.
Comment: This variant is classified as Pathogenic. Evidence in support of pathogenic classification: Variant is predicted to cause nonsense-mediated decay (NMD) and loss of protein (premature termination codon is located at least 54 nucleotides upstream of the final exon-exon junction); Variant is absent from gnomAD (v2, v3 and v4); Other NMD-predicted variants comparable to the one identified in this case have very strong previous evidence for pathogenicity (DECIPHER). Additional information: This variant is heterozygous; This gene is associated with autosomal dominant disease. Polycystic kidney disease 1 (MIM#173900) is predominantly caused by monoallelic variants, with rare reports of biallelic variants causing disease (OMIM); Loss of function is a known mechanism of disease in this gene and is associated with polycystic kidney disease 1 (MIM#173900); Inheritance information for this variant is not currently available in this individual.

Molecular Genetics of Inherited Kidney Disorders Laboratory, Garvan Institute of Medical Research
Classification: Likely pathogenic. Last evaluated: 2019-01-01. Review status: criteria provided, single submitter. Criteria: ACMG Guidelines, 2015. Collection method: clinical testing. Allele origin: germline. Affected: yes.

NM_001009944.3(PKD1):c.827_830del (p.Thr276fs)

Gene: PKD1 (polycystin 1, transient receptor potential channel interacting; minus strand). Cytogenetic location: 16p13.3.
Variant type: Deletion.
Coding change: c.827_830del on transcript NM_001009944.3 (MANE Select); coding-DNA positions 827 to 830, 4 bases deleted (CCCT; older notation c.827_830delCCCT).
Protein change: p.Thr276fs; shifts the reading frame from threonine 276.
Molecular consequence: frameshift variant.
Genome position (GRCh38, 1-based): chr16:2,118,162-2,118,165, AGGG deleted on the plus strand (CCCT on the coding strand, the reverse complement: PKD1 is on the minus strand). VCF-style (leftmost placement, unchanged base first): chr16-2118161-CAGGG-C. GRCh37 (hg19) VCF-style: chr16-2168162-CAGGG-C.
Other names: c.827_830del, p.Thr276fs (NM_000296.4); short protein forms T276fs.
Identifiers: ClinVar variation 972854 (VCV000972854.2), dbSNP rs2092670456, ClinGen allele CA1139664404.